The following is an entry in ClinVar:

ClinVar aggregate classification (germline): Uncertain significance (1 of 4 stars; one submission).

Conditions:
Hereditary sensory and autonomic neuropathy type 6. Also called: HSAN VI; Neuropathy, hereditary sensory and autonomic, type VI. Identifiers: Orphanet 314381, MedGen C3539003, MONDO:0013839, OMIM 614653.
Epidermolysis bullosa simplex 3, localized or generalized intermediate, with BP230 deficiency (EBS3). Also called: Epidermolysis bullosa simplex due to BP230 deficiency; Epidermolysis bullosa simplex, autosomal recessive 2. Identifiers: Orphanet 412181, MedGen C3809470, MONDO:0014180, OMIM 615425.

gnomAD v4.1: 7 of 1,613,832 alleles (0.00043%); highest among the groups gnomAD compares: African/African-American, 0.008%; no homozygotes.

Submission:

Labcorp Genetics (formerly Invitae), Labcorp
Classification: Uncertain significance for Epidermolysis bullosa simplex 3, localized or generalized intermediate, with BP230 deficiency; Hereditary sensory and autonomic neuropathy type 6. Last evaluated: 2022-07-15. Review status: criteria provided, single submitter. Criteria: Invitae Variant Classification Sherloc (09022015). Collection method: clinical testing. Allele origin: germline.
Comment: This variant has not been reported in the literature in individuals affected with DST-related conditions. This variant is present in population databases (no rsID available, gnomAD 0.01%). This sequence change replaces valine, which is neutral and non-polar, with phenylalanine, which is neutral and non-polar, at codon 4577 of the DST protein (c.Val4577Phe). The DST gene has multiple clinically relevant transcripts. This variant occurs in alternate transcript NM_015548.4, and corresponds to NM_001723.5:c.*138095G>T in the primary transcript. Experimental studies and prediction algorithms are not available or were not evaluated, and the functional significance of this variant is currently unknown. In summary, the available evidence is currently insufficient to determine the role of this variant in disease. Therefore, it has been classified as a Variant of Uncertain Significance.

NM_001374736.1(DST):c.21598G>T (p.Val7200Phe)

Gene: DST (dystonin; minus strand). Cytogenetic location: 6p12.1.
Variant type: single nucleotide variant.
Coding change: c.21598G>T on transcript NM_001374736.1 (MANE Select); coding-DNA position 21598, G replaced by T.
Protein change: p.Val7200Phe; replaces valine 7200 with phenylalanine.
Molecular consequence: missense variant.
Genome position (GRCh38, 1-based): chr6:56,477,422, C>A on the plus strand (G>T on the coding strand, the complement: DST is on the minus strand). VCF-style: chr6-56477422-C-A. GRCh37 (hg19) VCF-style: chr6-56342220-C-A.
Other names: c.15241G>T, p.Val5081Phe (NM_001144769.5); c.14827G>T, p.Val4943Phe (NM_001144770.2); c.21598G>T, p.Val7200Phe (NM_001374722.1); c.20638G>T, p.Val6880Phe (NM_001374729.1); c.14380G>T, p.Val4794Phe (NM_001374730.1); c.21625G>T, p.Val7209Phe (NM_001374734.1); c.14707G>T, p.Val4903Phe (NM_001386100.1, NM_183380.4); c.13729G>T, p.Val4577Phe (NM_015548.5); short protein forms V5081F, V7200F, V7209F, V4943F, V4577F, V4794F, V4903F, V6880F.
Identifiers: ClinVar variation 2151119 (VCV002151119.4), dbSNP rs760700573, ClinGen allele CA364511156.
Genomic context (GRCh38, chr6:56,477,422, plus strand): 5'-GGATGATTGTTATCCAGTGCTTAATGGTAGTGATGGAGTCGGGGTGGCAGATAGCCAAAA[C>A]GGTGTCGCCCATAGTGGTGGCTTTATTTAGTTCAGCTCTCTTTTCTTCCAGTTTCTTCAT-3'
Protein context (NP_001361665.1, residues 7190-7210): LNKATTMGDT[Val7200Phe]LAICHPDSIT